The following is an entry in ClinVar:

NM_004979.6(KCND1):c.38G>A (p.Arg13Gln)

Gene: KCND1 (potassium voltage-gated channel subfamily D member 1; minus strand). Cytogenetic location: Xp11.23.
Variant type: single nucleotide variant.
Coding change: c.38G>A on transcript NM_004979.6 (MANE Select); coding-DNA position 38, G replaced by A.
Protein change: p.Arg13Gln; replaces arginine 13 with glutamine.
Molecular consequence: missense variant.
Genome position (GRCh38, 1-based): chrX:48,970,234, C>T on the plus strand (G>A on the coding strand, the complement: KCND1 is on the minus strand). VCF-style: chrX-48970234-C-T. GRCh37 (hg19) VCF-style: chrX-48826641-C-T.
Other names: short protein forms R13Q.
Identifiers: ClinVar variation 4687809 (VCV004687809.1).
Genomic context (GRCh38, chrX:48,970,234, plus strand): 5'-ACCCCCGGTGCCGGGGGCAGGGGTTGCTGGGCCAGGGGCAGCCAGCCCACTGCTGCTGCC[C>T]GAGCAAAAGGCAGCCACGTGGCCAGGCCTGCCGCCATCGTGCCACTCCCCAAGCCCAGGG-3'
Protein context (NP_004970.3, residues 3-23): AGLATWLPFA[Arg13Gln]AAAVGWLPLA

ClinVar aggregate classification (germline): Uncertain significance (1 of 4 stars; one submission).

gnomAD v4.1: 6 of 1,202,920 alleles (0.0005%); highest among the groups gnomAD compares: Admixed American, 0.0022%; no homozygotes.

Submission:

Women's Health and Genetics/Laboratory Corporation of America, LabCorp
Classification: Uncertain significance. Last evaluated: 2025-10-23. Review status: criteria provided, single submitter. Criteria: LabCorp Variant Classification Summary - May 2015. Collection method: clinical testing. Allele origin: germline.
Comment: Variant summary: KCND1 c.38G>A (p.Arg13Gln) results in a conservative amino acid change in the encoded protein sequence. Algorithms developed to predict the effect of missense changes on protein structure and function are either unavailable or do not agree on the potential impact of this missense change. The variant allele was found at a frequency of 1.2e-05 in 165577 control chromosomes. The available data on variant occurrences in the general population are insufficient to allow any conclusion about variant significance. To our knowledge, no occurrence of c.38G>A in individuals affected with KCND1-related conditions and no experimental evidence demonstrating its impact on protein function have been reported. No submitters have cited clinical-significance assessments for this variant to ClinVar. Based on the evidence outlined above, the variant was classified as uncertain significance.